The following is an entry in ClinVar:

ClinVar aggregate classification (germline): Pathogenic (1 of 4 stars; one submission).

Conditions:
RYR1-related disorder. Also called: RYR1-related condition; RYR1-related disorders. Identifiers: MedGen CN239331.

Submission:

Labcorp Genetics (formerly Invitae), Labcorp
Classification: Pathogenic for RYR1-related disorder. Last evaluated: 2022-06-19. Review status: criteria provided, single submitter. Criteria: Invitae Variant Classification Sherloc (09022015). Collection method: clinical testing. Allele origin: germline.
Comment: This sequence change creates a premature translational stop signal (p.Gly4433Argfs*10) in the RYR1 gene. It is expected to result in an absent or disrupted protein product. Loss-of-function variants in RYR1 are known to be pathogenic (PMID: 20583297, 20839240, 23919265, 28818389). This variant is not present in population databases (gnomAD no frequency). This variant has not been reported in the literature in individuals affected with RYR1-related conditions. For these reasons, this variant has been classified as Pathogenic.

Literature cited by the submitters: PubMed 20583297; PubMed 20839240; PubMed 23919265; PubMed 28818389.

NM_000540.3(RYR1):c.13292_13296dup (p.Gly4433fs)

Genes: RYR1 (ryanodine receptor 1; plus strand), LOC130064357 (ATAC-STARR-seq lymphoblastoid silent region 10577; plus strand). Cytogenetic location: 19q13.2.
Variant type: Microsatellite.
Coding change: c.13292_13296dup on transcript NM_000540.3 (MANE Select); coding-DNA positions 13292 to 13296, 5 bases duplicated (CGGGC; older notation c.13292_13296dupCGGGC).
Protein change: p.Gly4433fs; shifts the reading frame from glycine 4433.
Molecular consequence: frameshift variant.
Genome position (GRCh38, 1-based): chr19:38,565,626-38,565,630, CGGGC duplicated; duplicating any 5 consecutive bases within chr19:38,565,618-38,565,630 gives the same sequence; the c. name uses the placement nearest the transcript's 3' end. VCF-style (leftmost placement, unchanged base first): chr19-38565617-A-AGGCCG. GRCh37 (hg19) VCF-style: chr19-39056257-A-AGGCCG.
Other names: c.13277_13281dup, p.Gly4428fs (NM_001042723.2); short protein forms G4428fs, G4433fs.
Identifiers: ClinVar variation 2418725 (VCV002418725.7), dbSNP rs2514681064, ClinGen allele CA2576772108.
Genomic context (GRCh38, chr19:38,565,617, plus strand): 5'-CCAGCGAGGGCGCTGGAGACGCCGCGGAGGGCGCTGGAGACGAGGAGGAGGCGGTGCACG[A>AGGCCG]GGCCGGGCCGGGCGGTGCCGACGGGGCGGTGGCCGTGACCGATGGGGGCCCCTTCCGGCC-3'